The following is an entry in ClinVar:

NM_013291.3(CPSF1):c.1258_1259del (p.Lys420fs)

Gene: CPSF1 (cleavage and polyadenylation specific factor 1; minus strand). Cytogenetic location: 8q24.3.
Variant type: Deletion.
Coding change: c.1258_1259del on transcript NM_013291.3 (MANE Select); coding-DNA positions 1258 to 1259, 2 bases deleted (AA; older notation c.1258_1259delAA).
Protein change: p.Lys420fs; shifts the reading frame from lysine 420.
Molecular consequence: frameshift variant.
Genome position (GRCh38, 1-based): chr8:144,399,487-144,399,488, TT deleted on the plus strand (AA on the coding strand, the reverse complement: CPSF1 is on the minus strand); deleting any 2 consecutive bases within chr8:144,399,487-144,399,489 gives the same sequence; the c. name uses the placement nearest the transcript's 3' end. VCF-style (leftmost placement, unchanged base first): chr8-144399486-CTT-C. GRCh37 (hg19) VCF-style: chr8-145624876-CTT-C.
Other names: short protein forms K420fs.
Identifiers: ClinVar variation 3235178 (VCV003235178.1), dbSNP rs2537385296.

ClinVar aggregate classification (germline): Likely pathogenic (1 of 4 stars; one submission).

Conditions:
Myopia 27. Also called: MYOPIA 27, AUTOSOMAL DOMINANT. Identifiers: MedGen C5394215, MONDO:0032941, OMIM 618827.

Submission:

MVZ Medizinische Genetik Mainz
Classification: Likely pathogenic for Myopia 27. Last evaluated: 2023-01-11. Review status: criteria provided, single submitter. Criteria: UK Practice Guidelines For Variant Classification V4 01 2020. Collection method: clinical testing. Allele origin: germline. Inheritance: Autosomal dominant inheritance. Affected: yes. Observed: 1 variant allele.
Comment: ACMG Criteria: PVS1, PM2_SUP (ACMG Version 4)